The following is an entry in ClinVar:

ClinVar aggregate classification (germline): Uncertain significance (0 of 4 stars; one submission).

Conditions:
EDN3-related disorder. Also called: EDN3-related condition.

gnomAD v4.1: 135 of 1,614,026 alleles (0.0084%); highest among the groups gnomAD compares: African/African-American, 0.031%; no homozygotes.

Submission:

PreventionGenetics, part of Exact Sciences
Classification: Uncertain significance for EDN3-related condition. Last evaluated: 2024-08-13. Review status: no assertion criteria provided. Collection method: clinical testing. Allele origin: germline.
Comment: The EDN3 c.251C>A variant is predicted to result in the amino acid substitution p.Ala84Glu. To our knowledge, this variant has not been reported in the literature. This variant is reported in 0.032% of alleles in individuals of African descent in gnomAD. At this time, the clinical significance of this variant is uncertain due to the absence of conclusive functional and genetic evidence.

NM_207034.3(EDN3):c.251C>A (p.Ala84Glu)

Gene: EDN3 (endothelin 3; plus strand). Cytogenetic location: 20q13.32.
Variant type: single nucleotide variant.
Coding change: c.251C>A on transcript NM_207034.3 (MANE Select); coding-DNA position 251, C replaced by A.
Protein change: p.Ala84Glu; replaces alanine 84 with glutamic acid.
Molecular consequence: missense variant.
Genome position (GRCh38, 1-based): chr20:59,301,608, C>A. VCF-style: chr20-59301608-C-A. GRCh37 (hg19) VCF-style: chr20-57876663-C-A.
Other names: c.251C>A, p.Ala84Glu (NM_001302455.2, NM_001302456.2, NM_001424361.1 and 4 more transcripts); short protein forms A84E.
Identifiers: ClinVar variation 3351435 (VCV003351435.1).
Genomic context (GRCh38, chr20:59,301,608, plus strand): 5'-GGACTGTGGCCCCGACAGCACTGCAGGGTCCAAGCCCTGGAAGCCCTGGGCAGGAGCAGG[C>A]GGCCGAGGGGGCCCCTGAGCACCACCGATCCAGGCGCTGCACGTGCTTCACCTACAAGGA-3'
Protein context (NP_996917.1, residues 74-94): PSPGSPGQEQ[Ala84Glu]AEGAPEHHRS